The following is an entry in ClinVar:

ClinVar aggregate classification (germline): Uncertain significance (1 of 4 stars; one submission).

Allele frequency attached by ClinVar (database versions not stated): gnomAD exomes 0.00002; TOPMed 0.00002; ExAC 0.00005.
gnomAD v4.1: 25 of 1,614,074 alleles (0.0015%); highest among the groups gnomAD compares: Middle Eastern, 0.016%; no homozygotes.

Submission:

Labcorp Genetics (formerly Invitae), Labcorp
Classification: Uncertain significance. Last evaluated: 2023-06-12. Review status: criteria provided, single submitter. Criteria: Invitae Variant Classification Sherloc (09022015). Collection method: clinical testing. Allele origin: germline.
Comment: This sequence change replaces arginine, which is basic and polar, with glutamine, which is neutral and polar, at codon 528 of the MACF1 protein (p.Arg528Gln). This variant is present in population databases (rs748193550, gnomAD 0.009%). This variant has not been reported in the literature in individuals affected with MACF1-related conditions. An algorithm developed to predict the effect of missense changes on protein structure and function (PolyPhen-2) suggests that this variant is likely to be disruptive. In summary, the available evidence is currently insufficient to determine the role of this variant in disease. Therefore, it has been classified as a Variant of Uncertain Significance.

NM_001394062.1(MACF1):c.1568G>A (p.Arg523Gln)

Gene: MACF1 (microtubule actin crosslinking factor 1; plus strand). Cytogenetic location: 1p34.3.
Variant type: single nucleotide variant.
Coding change: c.1568G>A on transcript NM_001394062.1 (MANE Select); coding-DNA position 1568, G replaced by A.
Protein change: p.Arg523Gln; replaces arginine 523 with glutamine.
Molecular consequence: missense variant.
Genome position (GRCh38, 1-based): chr1:39,287,345, G>A. VCF-style: chr1-39287345-G-A. GRCh37 (hg19) VCF-style: chr1-39753017-G-A.
Other names: c.1583G>A, p.Arg528Gln (NM_012090.5); short protein forms R528Q, R523Q.
Identifiers: ClinVar variation 2874585 (VCV002874585.3), dbSNP rs748193550, ClinGen allele CA779472.
Genomic context (GRCh38, chr1:39,287,345, plus strand): 5'-GGGTCATGCGTCTTCAGGATGAGCTGGTCACCTTGCGTCTAGAGTGTACAAACCTGTACC[G>A]GAAGGGTCATTTCACTTCACTTGAATTGGTTCCACCCTCTACTTTAACCACCACTCATCT-3'
Protein context (NP_001380991.1, residues 513-533): TLRLECTNLY[Arg523Gln]KGHFTSLELV